The following is an entry in ClinVar:

NM_000143.4(FH):c.970C>T (p.Leu324Phe)

Gene: FH (fumarate hydratase; minus strand). Cytogenetic location: 1q43.
Variant type: single nucleotide variant.
Coding change: c.970C>T on transcript NM_000143.4 (MANE Select); coding-DNA position 970, C replaced by T.
Protein change: p.Leu324Phe; replaces leucine 324 with phenylalanine.
Molecular consequence: missense variant.
Genome position (GRCh38, 1-based): chr1:241,504,180, G>A on the plus strand (C>T on the coding strand, the complement: FH is on the minus strand). VCF-style: chr1-241504180-G-A. GRCh37 (hg19) VCF-style: chr1-241667480-G-A.
Other names: short protein forms L324F.
Identifiers: ClinVar variation 3515084 (VCV003515084.1).

ClinVar aggregate classification (germline): Uncertain significance (1 of 4 stars; one submission).

Conditions:
Hereditary cancer-predisposing syndrome. Also called: Tumor predisposition; Neoplastic Syndromes, Hereditary; Hereditary Cancer Syndrome; Hereditary neoplastic syndrome. Identifiers: Orphanet 140162, MedGen C0027672, MeSH D009386, MONDO:0015356.

Submission:

Ambry Genetics
Classification: Uncertain significance for Hereditary cancer-predisposing syndrome. Last evaluated: 2024-08-05. Review status: criteria provided, single submitter. Criteria: Ambry Variant Classification Scheme 2023. Collection method: clinical testing. Allele origin: germline.
Comment: The p.L324F variant (also known as c.970C>T), located in coding exon 7 of the FH gene, results from a C to T substitution at nucleotide position 970. The leucine at codon 324 is replaced by phenylalanine, an amino acid with highly similar properties. This amino acid position is highly conserved in available vertebrate species. In addition, this alteration is predicted to be deleterious by in silico analysis. Based on the available evidence, the clinical significance of this variant remains unclear.